The following is an entry in ClinVar:

ClinVar aggregate classification (germline): Benign/Likely benign. Review status: criteria provided, multiple submitters, no conflicts (2 of 4 stars). 14 submissions from 14 submitters: Benign (6); Likely benign (6). 2 of the submissions do not count toward it. Last evaluated 2026-08-01.

Conditions:
SMPD1-related disorder. Also called: SMPD1-related condition.
Inborn genetic diseases. Identifiers: MedGen C0950123, MeSH D030342.
Niemann-Pick disease, type A. Also called: SPHINGOMYELIN LIPIDOSIS; SPHINGOMYELINASE DEFICIENCY; Infantile Neurovisceral ASMD (Niemann-Pick Disease Type A; NPD-A). Identifiers: Orphanet 77292, MedGen C0268242, MONDO:0009756, OMIM 257200. Disease mechanism: loss of function.
Niemann-Pick disease, type B. Also called: Chronic Visceral ASMD (Niemann-Pick Disease Type B; NPD-B). Identifiers: Orphanet 77293, MedGen C0268243, MONDO:0011871, OMIM 607616. Disease mechanism: loss of function.
Sphingomyelin/cholesterol lipidosis. Also called: Niemann-Pick disease. Identifiers: MedGen C0028064, MONDO:0001982.

Allele frequency attached by ClinVar (database versions not stated): 1000 Genomes Project 0.00339; 1000 Genomes Project 30x 0.00344; ExAC 0.00475; gnomAD exomes 0.00513; gnomAD 0.00565 and 0.00571; TOPMed 0.00566; ESP Exome Variant Server 0.00654.

Submissions (14):

CeGaT Center for Human Genetics Tuebingen
Classification: Likely benign. Last evaluated: 2026-08-01. Review status: criteria provided, single submitter. Criteria: CeGaT Center For Human Genetics Tuebingen Variant Classification Criteria Version 2. Collection method: clinical testing. Allele origin: germline. Affected: yes. Observed: 24 variant alleles.
Comment: SMPD1: BS2

Labcorp Genetics (formerly Invitae), Labcorp
Classification: Benign for Niemann-Pick disease, type B; Niemann-Pick disease, type A. Last evaluated: 2026-02-04. Review status: criteria provided, single submitter. Criteria: Invitae Variant Classification Sherloc (09022015). Collection method: clinical testing. Allele origin: germline.

PreventionGenetics, part of Exact Sciences
Classification: Benign for SMPD1-related condition. Last evaluated: 2026-01-13. Review status: criteria provided, single submitter. Criteria: ACMG Guidelines, 2015. Collection method: clinical testing. Allele origin: germline.
Comment: This variant is classified as benign based on ACMG/AMP sequence variant interpretation guidelines (Richards et al. 2015 PMID: 25741868, with internal and published modifications).

Genomic Medicine Center of Excellence, King Faisal Specialist Hospital and Research Centre
Classification: Likely benign. Last evaluated: 2025-08-18. Review status: criteria provided, single submitter. Criteria: ACMG Guidelines, 2015. Collection method: clinical testing. Allele origin: germline.

Ambry Genetics
Classification: Likely benign for Inborn genetic diseases. Last evaluated: 2022-02-14. Review status: criteria provided, single submitter. Criteria: Ambry Variant Classification Scheme 2023. Collection method: clinical testing. Allele origin: germline.

Genome-Nilou Lab
Classification: Benign for Niemann-Pick disease, type A. Last evaluated: 2021-05-18. Review status: criteria provided, single submitter. Criteria: ACMG Guidelines, 2015. Collection method: clinical testing. Allele origin: germline. Affected: no.

GeneDx
Classification: Benign. Last evaluated: 2021-01-07. Review status: criteria provided, single submitter. Criteria: GeneDx Variant Classification Process June 2021. Collection method: clinical testing. Allele origin: germline. Affected: yes.

Women's Health and Genetics/Laboratory Corporation of America, LabCorp
Classification: Benign. Last evaluated: 2020-10-05. Review status: criteria provided, single submitter. Criteria: LabCorp Variant Classification Summary - May 2015. Collection method: clinical testing. Allele origin: germline.

Broad Center for Mendelian Genomics, Broad Institute of MIT and Harvard
Classification: Likely benign for Sphingomyelin/cholesterol lipidosis. Last evaluated: 2020-01-22. Review status: criteria provided, single submitter. Criteria: ACMG Guidelines, 2015. Collection method: curation. Allele origin: germline. Inheritance: Autosomal recessive inheritance.
Comment: The c.1071C>T (p.Ala357=) variant in SMPD1 (also known as p.Ala355= due to a difference in cDNA numbering) has not been previously reported in individuals with Niemann-Pick disease, but has been identified in 1.062% (110/10360) of Ashkenazi Jewish chromosomes, 0.807% (1037/128468) of European (non-Finnish) chromosomes, including 9 homozygotes, and 0.378% (134/35428) of Latino chromosomes. This variant has also been reported in ClinVar (VariationID: 93310) as a VUS by Illumina Clinical Services Laboratory, as likely benign by PreventionGenetics, and as benign by Invitae, EGL Genetic Diagnostics, and Mayo Clinic Genetic Testing Laboratories. Computational prediction tools, including splice predictors, and conservation analyses suggest that this variant may not impact the protein, though this information is not predictive enough to rule out pathogenicity. In summary, although additional studies are required to fully establish its clinical significance, this variant is likely benign. ACMG/AMP Criteria applied: BS1, BP4, BP7 (Richards 2015).

Illumina Laboratory Services, Illumina
Classification: Likely benign for Niemann-Pick disease, type A. Last evaluated: 2018-01-12. Review status: criteria provided, single submitter. Criteria: ICSL Variant Classification Criteria 13 December 2019. Collection method: clinical testing. Allele origin: germline.
Comment: This variant was observed in the ICSL laboratory as part of a predisposition screen in an ostensibly healthy population. It had not been previously curated by ICSL or reported in the Human Gene Mutation Database (HGMD: prior to June 1st, 2018), and was therefore a candidate for classification through an automated scoring system. Utilizing variant allele frequency, disease prevalence and penetrance estimates, and inheritance mode, an automated score was calculated to assess if this variant is too frequent to cause the disease. Based on the score and internal cut-off values, a variant classified as likely benign is not then subjected to further curation. The score for this variant resulted in a classification of likely benign for this disease.

Eurofins Ntd Llc (ga)
Classification: Benign. Last evaluated: 2013-08-22. Review status: criteria provided, single submitter. Criteria: EGL Classification Definitions 2015. Collection method: clinical testing. Allele origin: germline. Observed: 3 variant alleles, 2 heterozygotes, 1 homozygote.

Breakthrough Genomics
Classification: Likely benign. Review status: criteria provided, single submitter. Criteria: ACMG Guidelines, 2015. Collection method: not provided. Allele origin: germline. Inheritance: Autosomal recessive inheritance. Affected: yes.

Natera, Inc.
Classification: Benign for Niemann-Pick Disease, Types A/B. Last evaluated: 2017-03-29. Review status: no assertion criteria provided. Collection method: clinical testing. Allele origin: germline. Not counted in ClinVar's aggregate classification.

Mayo Clinic Laboratories, Mayo Clinic
Classification: Benign. Last evaluated: 2015-10-22. Review status: no assertion criteria provided. Collection method: clinical testing. Allele origin: unknown. Not counted in ClinVar's aggregate classification.

NM_000543.5(SMPD1):c.1071C>T (p.Ala357=)

Gene: SMPD1 (sphingomyelin phosphodiesterase 1; plus strand). Cytogenetic location: 11p15.4.
Variant type: single nucleotide variant.
Coding change: c.1071C>T on transcript NM_000543.5 (MANE Select); coding-DNA position 1071, C replaced by T.
Protein change: p.Ala357=; no amino-acid change (alanine 357 retained).
Molecular consequence: synonymous variant. On other transcripts: missense variant (1), non-coding transcript variant (1).
Genome position (GRCh38, 1-based): chr11:6,392,136, C>T. VCF-style: chr11-6392136-C-T. GRCh37 (hg19) VCF-style: chr11-6413366-C-T.
Other names: c.1068C>T, p.Ala356= (NM_001007593.3); c.1071C>T, p.Ala357= (NM_001318087.2, NM_001365135.2); c.110C>T, p.Pro37Leu (NM_001318088.2); c.110C>T (NM_001318088.1); short protein forms P37L.
Identifiers: ClinVar variation 93310 (VCV000093310.69), dbSNP rs72896268, ClinGen allele CA146855.
Genomic context (GRCh38, chr11:6,392,136, plus strand): 5'-CCACTCCTCCCGCTGGCTCTATGAAGCGATGGCCAAGGCTTGGGAGCCCTGGCTGCCTGC[C>T]GAAGCCCTGCGCACCCTCAGGTACTTATCGTCCGTGGAAACCCAGGAAGGGAAAAGAAAG-3'
Protein context (NP_000534.3, residues 347-367): MAKAWEPWLP[Ala357=]EALRTLRIGG